The following is an entry in ClinVar:

NM_002103.5(GYS1):c.2123G>A (p.Arg708His)

Gene: GYS1 (glycogen synthase 1; minus strand). Cytogenetic location: 19q13.33.
Variant type: single nucleotide variant.
Coding change: c.2123G>A on transcript NM_002103.5 (MANE Select); coding-DNA position 2123, G replaced by A.
Protein change: p.Arg708His; replaces arginine 708 with histidine.
Molecular consequence: missense variant. On other transcripts: non-coding transcript variant (1).
Genome position (GRCh38, 1-based): chr19:48,969,379, C>T on the plus strand (G>A on the coding strand, the complement: GYS1 is on the minus strand). VCF-style: chr19-48969379-C-T. GRCh37 (hg19) VCF-style: chr19-49472636-C-T.
Other names: c.1931G>A, p.Arg644His (NM_001161587.2); c.2123G>A (NM_002103.4); short protein forms R644H, R708H.
Identifiers: ClinVar variation 3606572 (VCV003606572.3).

ClinVar aggregate classification (germline): Uncertain significance. Review status: criteria provided, multiple submitters, no conflicts (2 of 4 stars). 2 submissions from 2 submitters: Uncertain significance (2). Last evaluated 2025-04-10.

Conditions:
Inborn genetic diseases. Identifiers: MedGen C0950123, MeSH D030342.
Glycogen storage disease due to muscle and heart glycogen synthase deficiency. Also called: GSD 0b; MUSCLE GLYCOGEN SYNTHASE DEFICIENCY. Identifiers: Orphanet 137625, MedGen C1969054, MONDO:0012693, OMIM 611556.

gnomAD v4.1: 3 of 1,570,964 alleles (0.00019%); highest among the groups gnomAD compares: African/African-American, 0.0014%; no homozygotes.

Submissions (2):

Ambry Genetics
Classification: Uncertain significance for Inborn genetic diseases. Last evaluated: 2025-04-10. Review status: criteria provided, single submitter. Criteria: Ambry Variant Classification Scheme 2023. Collection method: clinical testing. Allele origin: germline.

Labcorp Genetics (formerly Invitae), Labcorp
Classification: Uncertain significance for Glycogen storage disease due to muscle and heart glycogen synthase deficiency. Last evaluated: 2025-01-16. Review status: criteria provided, single submitter. Criteria: Invitae Variant Classification Sherloc (09022015). Collection method: clinical testing. Allele origin: germline.
Comment: This sequence change replaces arginine, which is basic and polar, with histidine, which is basic and polar, at codon 708 of the GYS1 protein (p.Arg708His). This variant is not present in population databases (gnomAD no frequency). This variant has not been reported in the literature in individuals affected with GYS1-related conditions. An algorithm developed to predict the effect of missense changes on protein structure and function (PolyPhen-2) suggests that this variant is likely to be tolerated. In summary, the available evidence is currently insufficient to determine the role of this variant in disease. Therefore, it has been classified as a Variant of Uncertain Significance.